The following is an entry in ClinVar:

NM_001401501.2(MUC16):c.30468A>G (p.Leu10156=)

Gene: MUC16 (mucin 16, cell surface associated; minus strand). Cytogenetic location: 19p13.2.
Variant type: single nucleotide variant.
Coding change: c.30468A>G on transcript NM_001401501.2 (MANE Select); coding-DNA position 30468, A replaced by G.
Protein change: p.Leu10156=; no amino-acid change (leucine 10156 retained).
Molecular consequence: synonymous variant.
Genome position (GRCh38, 1-based): chr19:8,946,422, T>C on the plus strand (A>G on the coding strand, the complement: MUC16 is on the minus strand). VCF-style: chr19-8946422-T-C. GRCh37 (hg19) VCF-style: chr19-9057098-T-C.
Other names: c.30894A>G, p.Leu10298= (NM_001414686.1); c.30348A>G, p.Leu10116= (NM_001414687.1, NM_024690.2).
Identifiers: ClinVar variation 780523 (VCV000780523.7), dbSNP rs61744612, ClinGen allele CA9167127.
Genomic context (GRCh38, chr19:8,946,422, plus strand): 5'-GGGAGTACCCACTGGGTATGTAGCCTTGGATGGCTCCGAGTGGATTGAAACAGAGGAATA[T>C]AGTTCATGTCCAGAACTGGTGGTTCCCACATTGGTCACTGCCATGCTTGAAGAAGGATGA-3'
Protein context (NP_001388430.1, residues 10146-10166): NVGTTSSGHE[Leu10156=]YSSVSIHSEP

ClinVar aggregate classification (germline): Benign. Review status: criteria provided, multiple submitters, no conflicts (2 of 4 stars). 3 submissions from 3 submitters: Benign (2). 1 of the submissions does not count toward it. Last evaluated 2019-12-31.

Conditions:
MUC16-related disorder. Also called: MUC16-related condition.

Allele frequency attached by ClinVar (database versions not stated): ExAC 0.00438; gnomAD 0.01578 and 0.01484; 1000 Genomes Project 30x 0.01858; gnomAD exomes 0.00345 and 0.00131; ESP Exome Variant Server 0.01506; 1000 Genomes Project 0.01797; TOPMed 0.01638.

Submissions (3):

Labcorp Genetics (formerly Invitae), Labcorp
Classification: Benign. Last evaluated: 2019-12-31. Review status: criteria provided, single submitter. Criteria: Invitae Variant Classification Sherloc (09022015). Collection method: clinical testing. Allele origin: germline.

Breakthrough Genomics
Classification: Benign. Review status: criteria provided, single submitter. Criteria: ACMG Guidelines, 2015. Collection method: not provided. Allele origin: germline. Inheritance: Unknown mechanism. Affected: yes.

PreventionGenetics, part of Exact Sciences
Classification: Benign for MUC16-related condition. Last evaluated: 2019-06-06. Review status: no assertion criteria provided. Collection method: clinical testing. Allele origin: germline. Not counted in ClinVar's aggregate classification.
Comment: This variant is classified as benign based on ACMG/AMP sequence variant interpretation guidelines (Richards et al. 2015 PMID: 25741868, with internal and published modifications).